The following is an entry in ClinVar:

ClinVar aggregate classification (germline): Pathogenic/Likely pathogenic. Review status: criteria provided, multiple submitters, no conflicts (2 of 4 stars). 3 submissions from 3 submitters: Pathogenic (2); Likely pathogenic (1). Last evaluated 2026-01-07.

Conditions:
OCA2-related disorder. Also called: OCA2-related condition.
SKIN/HAIR/EYE PIGMENTATION 1, BLUE/NONBLUE EYES (SHEP1). Also called: BROWN EYE COLOR 2; SKIN/HAIR/EYE PIGMENTATION 1, BLOND/BROWN HAIR; SKIN/HAIR/EYE PIGMENTATION 1, BLUE/BROWN EYES; EYE COLOR 3; EYE COLOR, BLUE/NONBLUE; EYE COLOR, BROWN/BLUE. Identifiers: MedGen C1856895, OMIM 227220.

Allele frequency attached by ClinVar (database versions not stated): gnomAD exomes below 0.00001 and 0.00001; ExAC 0.00001; gnomAD 0.00001; TOPMed 0.00003.
gnomAD v4.1: 13 of 1,613,238 alleles (0.00081%); highest among the groups gnomAD compares: Non-Finnish European, 0.00076%; no homozygotes.

Submissions (3):

Labcorp Genetics (formerly Invitae), Labcorp
Classification: Pathogenic. Last evaluated: 2026-01-07. Review status: criteria provided, single submitter. Criteria: Invitae Variant Classification Sherloc (09022015). Collection method: clinical testing. Allele origin: germline.
Comment: This sequence change replaces proline, which is neutral and non-polar, with alanine, which is neutral and non-polar, at codon 211 of the OCA2 protein (p.Pro211Ala). This variant is present in population databases (rs777893926, gnomAD 0.0009%). This missense change has been observed in individual(s) with oculocutaneous albinism (PMID: 25412400, 27734839). In at least one individual the data is consistent with being in trans (on the opposite chromosome) from a pathogenic variant. ClinVar contains an entry for this variant (Variation ID: 1388959). Invitae Evidence Modeling of protein sequence and biophysical properties (such as structural, functional, and spatial information, amino acid conservation, physicochemical variation, residue mobility, and thermodynamic stability) indicates that this missense variant is not expected to disrupt OCA2 protein function with a negative predictive value of 80%. This variant disrupts the p.Pro211 amino acid residue in OCA2. Other variant(s) that disrupt this residue have been determined to be pathogenic (PMID: 12713581, 29437493, 31077556, 31813138). This suggests that this residue is clinically significant, and that variants that disrupt this residue are likely to be disease-causing. For these reasons, this variant has been classified as Pathogenic.

Baylor Genetics
Classification: Pathogenic for SKIN/HAIR/EYE PIGMENTATION 1, BLUE/NONBLUE EYES. Last evaluated: 2023-09-19. Review status: criteria provided, single submitter. Criteria: ACMG Guidelines, 2015. Collection method: clinical testing. Allele origin: unknown.

Blueprint Genetics
Classification: Likely pathogenic for OCA2-related disorders. Last evaluated: 2023-09-12. Review status: criteria provided, single submitter. Criteria: ACMG Guidelines, 2015. Collection method: clinical testing. Allele origin: germline. Affected: yes. Observed: 4 variant alleles.

Literature cited by the submitters: PubMed 25412400 (cited by Labcorp Genetics (formerly Invitae), Labcorp); PubMed 27734839 (cited by Labcorp Genetics (formerly Invitae), Labcorp); PubMed 12713581 (cited by Labcorp Genetics (formerly Invitae), Labcorp); PubMed 29437493 (cited by Labcorp Genetics (formerly Invitae), Labcorp); PubMed 31077556 (cited by Labcorp Genetics (formerly Invitae), Labcorp); PubMed 31813138 (cited by Labcorp Genetics (formerly Invitae), Labcorp).

NM_000275.3(OCA2):c.631C>G (p.Pro211Ala)

Gene: OCA2 (OCA2 melanosomal transmembrane protein; minus strand). Cytogenetic location: 15q13.1.
Variant type: single nucleotide variant.
Coding change: c.631C>G on transcript NM_000275.3 (MANE Select); coding-DNA position 631, C replaced by G.
Protein change: p.Pro211Ala; replaces proline 211 with alanine.
Molecular consequence: missense variant.
Genome position (GRCh38, 1-based): chr15:28,022,516, G>C on the plus strand (C>G on the coding strand, the complement: OCA2 is on the minus strand). VCF-style: chr15-28022516-G-C. GRCh37 (hg19) VCF-style: chr15-28267662-G-C.
Other names: c.631C>G, p.Pro211Ala (NM_001300984.2); short protein forms P211A.
Identifiers: ClinVar variation 1388959 (VCV001388959.8), dbSNP rs777893926, ClinGen allele CA7439407.